The following is an entry in ClinVar:

ClinVar aggregate classification (germline): Uncertain significance (1 of 4 stars; one submission).

Allele frequency attached by ClinVar (database versions not stated): gnomAD exomes below 0.00001; TOPMed 0.00001; ExAC 0.00002.
gnomAD v4.1: 3 of 1,564,516 alleles (0.00019%); highest among the groups gnomAD compares: Admixed American, 0.0054%; no homozygotes.

Submission:

Labcorp Genetics (formerly Invitae), Labcorp
Classification: Uncertain significance. Last evaluated: 2021-09-18. Review status: criteria provided, single submitter. Criteria: Invitae Variant Classification Sherloc (09022015). Collection method: clinical testing. Allele origin: germline.
Comment: The frequency data for this variant in the population databases is considered unreliable, as metrics indicate poor data quality at this position in the ExAC database. This variant has not been reported in the literature in individuals affected with KIZ-related conditions. Experimental studies and prediction algorithms are not available or were not evaluated, and the functional significance of this variant is currently unknown. In summary, the available evidence is currently insufficient to determine the role of this variant in disease. Therefore, it has been classified as a Variant of Uncertain Significance. This sequence change replaces alanine with valine at codon 470 of the KIZ protein (p.Ala470Val). There is a small physicochemical difference between alanine and valine.

NM_018474.6(KIZ):c.1409C>T (p.Ala470Val)

Genes: KIZ (kizuna centrosomal protein; plus strand), KIZ-AS1 (KIZ antisense RNA 1; minus strand). Cytogenetic location: 20p11.23.
Variant type: single nucleotide variant.
Coding change: c.1409C>T on transcript NM_018474.6 (MANE Select); coding-DNA position 1409, C replaced by T.
Protein change: p.Ala470Val; replaces alanine 470 with valine.
Molecular consequence: missense variant. On other transcripts: intron variant (2).
Genome position (GRCh38, 1-based): chr20:21,205,547, C>T. VCF-style: chr20-21205547-C-T. GRCh37 (hg19) VCF-style: chr20-21186185-C-T.
Other names: c.1100C>T, p.Ala367Val (NM_001163022.3); c.1010C>T, p.Ala337Val (NM_001163023.3); c.1262C>T, p.Ala421Val (NM_001276389.2); c.1067C>T, p.Ala356Val (NM_001352436.2); c.1392+17C>T (NM_001352434.2); c.1083+17C>T (NM_001352435.2); short protein forms A356V, A470V, A337V, A367V, A421V.
Identifiers: ClinVar variation 1463234 (VCV001463234.6), dbSNP rs769511209, ClinGen allele CA9784858.